The following is an entry in ClinVar:

ClinVar aggregate classification (germline): Pathogenic. Review status: criteria provided, multiple submitters, no conflicts (2 of 4 stars). 2 submissions from 2 submitters: Pathogenic (2). Last evaluated 2024-10-08.

Conditions:
Cardiovascular phenotype. Identifiers: MedGen CN230736.

Submissions (2):

GeneDx
Classification: Pathogenic. Last evaluated: 2024-10-08. Review status: criteria provided, single submitter. Criteria: GeneDx Variant Classification Process June 2021. Collection method: clinical testing. Allele origin: germline. Affected: yes.
Comment: Nonsense variant predicted to result in protein truncation or nonsense mediated decay in a gene for which loss of function is a known mechanism of disease; Not observed at significant frequency in large population cohorts (gnomAD); Has not been previously published as pathogenic or benign to our knowledge

Ambry Genetics
Classification: Pathogenic for Cardiovascular phenotype. Last evaluated: 2024-09-24. Review status: criteria provided, single submitter. Criteria: Ambry Variant Classification Scheme 2023. Collection method: clinical testing. Allele origin: germline.
Comment: The c.2929C>T (p.R977*) alteration, located in exon 27 (coding exon 27) of the ANK2 gene, consists of a C to T substitution at nucleotide position 2929. This changes the amino acid from an arginine (R) to a stop codon at amino acid position 977. This alteration is expected to result in loss of function by premature protein truncation or nonsense-mediated mRNA decay. This variant was not reported in population-based cohorts in the Genome Aggregation Database (gnomAD). Based on the available evidence, this alteration is classified as pathogenic.

NM_001148.6(ANK2):c.2929C>T (p.Arg977Ter)

Gene: ANK2 (ankyrin 2; plus strand). Cytogenetic location: 4q26.
Variant type: single nucleotide variant.
Coding change: c.2929C>T on transcript NM_001148.6 (MANE Select); coding-DNA position 2929, C replaced by T.
Protein change: p.Arg977Ter; replaces arginine 977 with a stop codon.
Molecular consequence: nonsense.
Genome position (GRCh38, 1-based): chr4:113,330,274, C>T. VCF-style: chr4-113330274-C-T. GRCh37 (hg19) VCF-style: chr4-114251430-C-T.
Other names: c.2902C>T, p.Arg968Ter (NM_001127493.3); c.2941C>T, p.Arg981Ter (NM_001354225.2); c.2929C>T, p.Arg977Ter (NM_001354228.2, NM_001354258.2, NM_020977.5); c.3007C>T, p.Arg1003Ter (NM_001354230.2, NM_001354237.2); c.2971C>T, p.Arg991Ter (NM_001354231.2, NM_001354242.2); c.2965C>T, p.Arg989Ter (NM_001354232.2); c.2926C>T, p.Arg976Ter (NM_001354235.2, NM_001354236.2, NM_001354246.2 and 1 more transcripts); c.2899C>T, p.Arg967Ter (NM_001354239.2, NM_001354252.2, NM_001354272.2); and 23 more; short protein forms R198*, R910*, R915*, R923*, R944*, R963*, R968*, R977*.
Identifiers: ClinVar variation 3540979 (VCV003540979.2).